The following is an entry in ClinVar:

ClinVar aggregate classification (germline): Uncertain significance (1 of 4 stars; one submission).

Allele frequency attached by ClinVar (database versions not stated): gnomAD exomes below 0.00001.
gnomAD v4.1: 1 of 1,614,108 alleles (0.000062%); highest among the groups gnomAD compares: Admixed American, 0.0017%; no homozygotes.

Submission:

Labcorp Genetics (formerly Invitae), Labcorp
Classification: Uncertain significance. Last evaluated: 2021-12-02. Review status: criteria provided, single submitter. Criteria: Invitae Variant Classification Sherloc (09022015). Collection method: clinical testing. Allele origin: germline.
Comment: This sequence change replaces glycine, which is neutral and non-polar, with glutamic acid, which is acidic and polar, at codon 1392 of the LAMA1 protein (p.Gly1392Glu). This variant is not present in population databases (gnomAD no frequency). This variant has not been reported in the literature in individuals affected with LAMA1-related conditions. Algorithms developed to predict the effect of missense changes on protein structure and function output the following: SIFT: "Tolerated"; PolyPhen-2: "Benign"; Align-GVGD: "Class C0". The glutamic acid amino acid residue is found in multiple mammalian species, which suggests that this missense change does not adversely affect protein function. In summary, the available evidence is currently insufficient to determine the role of this variant in disease. Therefore, it has been classified as a Variant of Uncertain Significance.

NM_005559.4(LAMA1):c.4175G>A (p.Gly1392Glu)

Gene: LAMA1 (laminin subunit alpha 1; minus strand). Cytogenetic location: 18p11.31.
Variant type: single nucleotide variant.
Coding change: c.4175G>A on transcript NM_005559.4 (MANE Select); coding-DNA position 4175, G replaced by A.
Protein change: p.Gly1392Glu; replaces glycine 1392 with glutamic acid.
Molecular consequence: missense variant.
Genome position (GRCh38, 1-based): chr18:7,007,224, C>T on the plus strand (G>A on the coding strand, the complement: LAMA1 is on the minus strand). VCF-style: chr18-7007224-C-T. GRCh37 (hg19) VCF-style: chr18-7007223-C-T.
Other names: short protein forms G1392E.
Identifiers: ClinVar variation 1370668 (VCV001370668.6), dbSNP rs2144107278, ClinGen allele CA401847426.